The following is an entry in ClinVar:

ClinVar aggregate classification (germline): Uncertain significance. Review status: criteria provided, multiple submitters, no conflicts (2 of 4 stars). 3 submissions from 3 submitters: Uncertain significance (2). 1 of the submissions does not count toward it. Last evaluated 2024-10-16.

Conditions:
Hereditary cancer-predisposing syndrome. Also called: Tumor predisposition; Neoplastic Syndromes, Hereditary; Hereditary Cancer Syndrome; Hereditary neoplastic syndrome. Identifiers: Orphanet 140162, MedGen C0027672, MeSH D009386, MONDO:0015356.
Ataxia-telangiectasia syndrome (AT). Also called: Cerebello-oculocutaneous telangiectasia; Immunodeficiency with ataxia telangiectasia; ATAXIA-TELANGIECTASIA, COMPLEMENTATION GROUP A; Ataxia-telangiectasia, complementation group D; AT, COMPLEMENTATION GROUP C; ATAXIA-TELANGIECTASIA, FRESNO VARIANT. Identifiers: Orphanet 100, MedGen C0004135, MONDO:0008840, OMIM 208900.

Submissions (3):

Ambry Genetics
Classification: Uncertain significance for Hereditary cancer-predisposing syndrome. Last evaluated: 2024-10-16. Review status: criteria provided, single submitter. Criteria: Ambry Variant Classification Scheme 2023. Collection method: clinical testing. Allele origin: germline.
Comment: The p.T1399A variant (also known as c.4195A>G), located in coding exon 27 of the ATM gene, results from an A to G substitution at nucleotide position 4195. The threonine at codon 1399 is replaced by alanine, an amino acid with similar properties. This amino acid position is not well conserved in available vertebrate species. In addition, this alteration is predicted to be tolerated by in silico analysis. Based on the available evidence, the clinical significance of this variant remains unclear.

Labcorp Genetics (formerly Invitae), Labcorp
Classification: Uncertain significance for Ataxia-telangiectasia syndrome. Last evaluated: 2023-05-04. Review status: criteria provided, single submitter. Criteria: Invitae Variant Classification Sherloc (09022015). Collection method: clinical testing. Allele origin: germline.
Comment: In summary, the available evidence is currently insufficient to determine the role of this variant in disease. Therefore, it has been classified as a Variant of Uncertain Significance. An algorithm developed to predict the effect of missense changes on protein structure and function (PolyPhen-2) suggests that this variant is likely to be tolerated. ClinVar contains an entry for this variant (Variation ID: 478925). This variant has not been reported in the literature in individuals affected with ATM-related conditions. This variant is not present in population databases (gnomAD no frequency). This sequence change replaces threonine, which is neutral and polar, with alanine, which is neutral and non-polar, at codon 1399 of the ATM protein (p.Thr1399Ala).

Natera, Inc.
Classification: Uncertain significance for Ataxia-telangiectasia. Last evaluated: 2021-08-01. Review status: no assertion criteria provided. Collection method: clinical testing. Allele origin: germline. Not counted in ClinVar's aggregate classification.

NM_000051.4(ATM):c.4195A>G (p.Thr1399Ala)

Gene: ATM (ATM serine/threonine kinase; plus strand). Cytogenetic location: 11q22.3.
Variant type: single nucleotide variant.
Coding change: c.4195A>G on transcript NM_000051.4 (MANE Select); coding-DNA position 4195, A replaced by G.
Protein change: p.Thr1399Ala; replaces threonine 1399 with alanine.
Molecular consequence: missense variant.
Genome position (GRCh38, 1-based): chr11:108,289,062, A>G. VCF-style: chr11-108289062-A-G. GRCh37 (hg19) VCF-style: chr11-108159789-A-G.
Other names: c.4195A>G, p.Thr1399Ala (NM_001351834.2); short protein forms T1399A.
Identifiers: ClinVar variation 478925 (VCV000478925.20), dbSNP rs1555096955, ClinGen allele CA382530329.
Genomic context (GRCh38, chr11:108,289,062, plus strand): 5'-CCTCATTTTCCATCGCATGTGATTAAAGCAACATTTGCCTATATCAGCAATTGTCATAAA[A>G]CCAAGTTAAAAAGCATTTTAGAAATTCTTTCCAAAAGCCCTGTAAGTATACATGATGAGT-3'
Protein context (NP_000042.3, residues 1389-1409): TFAYISNCHK[Thr1399Ala]KLKSILEILS